The following is an entry in ClinVar:

ClinVar aggregate classification (germline): Likely pathogenic (1 of 4 stars; one submission).

Conditions:
Corticosterone methyl oxidase type II deficiency.

Submission:

Natera, Inc.
Classification: Likely pathogenic for Corticosterone methyl oxidase type II deficiency. Last evaluated: 2025-02-25. Review status: criteria provided, single submitter. Criteria: Natera Variant Classification Schema (03/2026). Collection method: clinical testing. Allele origin: germline.
Comment: The c.1122-2A>C variant in CYP11B2 is a canonical splice acceptor site variant predicted to affect pre-mRNA splicing, which may result in an abnormal transcript and altered protein product. This variant is expected to result in nonsense mediated decay, truncation, or a dysfunctional protein product. This variant is rare in the general population with a frequency below the threshold expected for the associated phenotype(s). Given the available evidence, this variant is classified as Likely Pathogenic.

NM_000498.3(CYP11B2):c.1122-2A>C

Genes: CYP11B2 (cytochrome P450 family 11 subfamily B member 2; minus strand), LOC106799834 (CYP11B2 recombination region; plus strand). Cytogenetic location: 8q24.3.
Variant type: single nucleotide variant.
Coding change: c.1122-2A>C on transcript NM_000498.3 (MANE Select); the canonical splice acceptor site of the intron before coding-DNA position 1122, A replaced by C.
Molecular consequence: splice acceptor variant.
Genome position (GRCh38, 1-based): chr8:142,912,887, T>G on the plus strand (A>C on the coding strand, the complement: CYP11B2 is on the minus strand). VCF-style: chr8-142912887-T-G. GRCh37 (hg19) VCF-style: chr8-143994303-T-G.
Identifiers: ClinVar variation 4818596 (VCV004818596.1).
Genomic context (GRCh38, chr8:142,912,887, plus strand): 5'-TCTGAAGCACCAAGTCTGAGCTCACCACTCGCTCCAAAAACAGACCCACAGGGTAGAGCC[T>G]GGAGGTGGGGGCATCCATAGAAAGGGTCCTCAGCTGGATGGGGCTTCCTGTGCTCTCTGC-3'